The following is an entry in ClinVar:

ClinVar aggregate classification (germline): Uncertain significance (1 of 4 stars; one submission).

Allele frequency attached by ClinVar (database versions not stated): gnomAD exomes below 0.00001; gnomAD 0.00001.
gnomAD v4.1: 3 of 1,614,134 alleles (0.00019%); highest among the groups gnomAD compares: Middle Eastern, 0.016%; no homozygotes.

Submission:

CeGaT Center for Human Genetics Tuebingen
Classification: Uncertain significance. Last evaluated: 2023-02-01. Review status: criteria provided, single submitter. Criteria: CeGaT Center For Human Genetics Tuebingen Variant Classification Criteria Version 2. Collection method: clinical testing. Allele origin: germline. Affected: yes. Observed: 1 variant allele.
Comment: BLK: PM2, BP4

NM_001715.3(BLK):c.642G>C (p.Gln214His)

Genes: BLK (BLK proto-oncogene, Src family tyrosine kinase), BLK-AS1 (BLK antisense RNA 1). Cytogenetic location: 8p23.1.
Variant type: single nucleotide variant.
Coding change: c.642G>C on transcript NM_001715.3 (MANE Select); coding-DNA position 642, G replaced by C.
Protein change: p.Gln214His; replaces glutamine 214 with histidine.
Molecular consequence: missense variant.
Genome position (GRCh38, 1-based): chr8:11,555,354, G>C. VCF-style: chr8-11555354-G-C. GRCh37 (hg19) VCF-style: chr8-11412863-G-C.
Other names: c.429G>C, p.Gln143His (NM_001330465.2); short protein forms Q143H, Q214H.
Identifiers: ClinVar variation 2658405 (VCV002658405.24), dbSNP rs2117548415, ClinGen allele CA370313673.